The following is an entry in ClinVar:

NM_000204.5(CFI):c.1386A>T (p.Gln462His)

Gene: CFI (complement factor I; minus strand). Cytogenetic location: 4q25.
Variant type: single nucleotide variant.
Coding change: c.1386A>T on transcript NM_000204.5 (MANE Select); coding-DNA position 1386, A replaced by T.
Protein change: p.Gln462His; replaces glutamine 462 with histidine.
Molecular consequence: missense variant. On other transcripts: non-coding transcript variant (2).
Genome position (GRCh38, 1-based): chr4:109,746,265, T>A on the plus strand (A>T on the coding strand, the complement: CFI is on the minus strand). VCF-style: chr4-109746265-T-A. GRCh37 (hg19) VCF-style: chr4-110667421-T-A.
Other names: c.1410A>T, p.Gln470His (NM_001318057.2, NM_001375278.1); c.1365A>T, p.Gln455His (NM_001331035.2, NM_001375280.1, NM_001375282.1); c.1386A>T, p.Gln462His (NM_001375279.1, NM_001375281.1); c.1329A>T, p.Gln443His (NM_001375283.1); c.777A>T, p.Gln259His (NM_001375284.1); short protein forms Q259H, Q443H, Q455H, Q462H, Q470H.
Identifiers: ClinVar variation 1116399 (VCV001116399.8), dbSNP rs143827877, ClinGen allele CA3041927.
Genomic context (GRCh38, chr4:109,746,265, plus strand): 5'-AACTGTAAAACATATACCTTTTTCTCGTCCCCAGCCAGAAACGATGCATGTATCATTAGG[T>A]TGGAATAGGTAAGGAGACCAGGGGACACAGGCAGGGATGGAACGAGGCAGCTCACAATCT-3'
Protein context (NP_000195.3, residues 452-472): ACVPWSPYLF[Gln462His]PNDTCIVSGW

ClinVar aggregate classification (germline): Likely benign. Review status: criteria provided, multiple submitters, no conflicts (2 of 4 stars). 2 submissions from 2 submitters: Likely benign (2). Last evaluated 2025-12-17.

Conditions:
CFI-related disorder. Also called: CFI-related disorders; CFI-related condition. Identifiers: MedGen CN239325.

Allele frequency attached by ClinVar (database versions not stated): gnomAD exomes 0.00006; gnomAD 0.00009 and 0.00011; TOPMed 0.00009; ExAC 0.00012; ESP Exome Variant Server 0.00015.
gnomAD v4.1: 101 of 1,614,048 alleles (0.0063%); highest among the groups gnomAD compares: Non-Finnish European, 0.0081%; no homozygotes.

Submissions (2):

Labcorp Genetics (formerly Invitae), Labcorp
Classification: Likely benign. Last evaluated: 2025-12-17. Review status: criteria provided, single submitter. Criteria: Invitae Variant Classification Sherloc (09022015). Collection method: clinical testing. Allele origin: germline.

Genomenon, Inc
Classification: Likely benign for CFI-related disorder. Last evaluated: 2025-09-26. Review status: criteria provided, single submitter. Criteria: Genomenon Sequence Variant Interpretation Standards - Updated. Collection method: curation. Allele origin: germline. Affected: no.
Comment: CFI p.Gln462His (c.1386A>T) is a missense variant that changes the amino acid at residue 462 from Glutamine to Histidine. To our knowledge, this variant has not been reported in patients affected with CFI-related disorders in the published literature. Well-established functional studies show no damaging effect of this variant on protein function, supporting a benign classification (PMID:35531992;32510551). It is absent or not present at a significant frequency in gnomAD. In conclusion, we classify CFI p.Gln462His (c.1386A>T) as a likely benign variant.

Literature cited by the submitters: PubMed 35531992 (cited by Genomenon, Inc); 32510551 (cited by Genomenon, Inc).